The following is an entry in ClinVar:

NM_001298.3(CNGA3):c.1557G>A (p.Met519Ile)

Gene: CNGA3 (cyclic nucleotide gated channel subunit alpha 3; plus strand). Cytogenetic location: 2q11.2.
Variant type: single nucleotide variant.
Coding change: c.1557G>A on transcript NM_001298.3 (MANE Select); coding-DNA position 1557, G replaced by A.
Protein change: p.Met519Ile; replaces methionine 519 with isoleucine.
Molecular consequence: missense variant.
Genome position (GRCh38, 1-based): chr2:98,396,727, G>A. VCF-style: chr2-98396727-G-A. GRCh37 (hg19) VCF-style: chr2-99013190-G-A.
Other names: c.1503G>A, p.Met501Ile (NM_001079878.2); short protein forms M519I, M501I.
Identifiers: ClinVar variation 236463 (VCV000236463.18), dbSNP rs199655686, ClinGen allele CA1794036.
Genomic context (GRCh38, chr2:98,396,727, plus strand): 5'-ACCCACTGTGTTCAGCCCTGGGGATTATATCTGCAAGAAGGGAGATATTGGGAAGGAGAT[G>A]TACATCATCAACGAGGGCAAGCTGGCCGTGGTGGCTGATGATGGGGTCACCCAGTTCGTG-3'
Protein context (NP_001289.1, residues 509-529): ICKKGDIGKE[Met519Ile]YIINEGKLAV

ClinVar aggregate classification (germline): Conflicting classifications of pathogenicity. Review status: criteria provided, conflicting classifications (1 of 4 stars). 10 submissions from 9 submitters: Pathogenic (4); Uncertain significance (1). 5 of the submissions do not count toward it. Last evaluated 2025-10-21.

Conditions:
CNGA3-related disorders.
CNGA3-related disorder. Also called: CNGA3-related condition.
Retinal dystrophy. Also called: Inherited retinal dystrophy. Identifiers: Orphanet 71862, MedGen C0854723, MeSH D058499, MONDO:0019118, HP:0000556.
Achromatopsia 2 (ACHM2). Also called: COLORBLINDNESS, TOTAL; ROD MONOCHROMACY 2; ROD MONOCHROMATISM 2. Identifiers: Orphanet 49382, MedGen C1857618, MONDO:0009003, OMIM 216900.

Allele frequency attached by ClinVar (database versions not stated): ExAC 0.00002; TOPMed 0.00002; gnomAD 0.00003 and 0.00004; gnomAD exomes 0.00005 and 0.00006; 1000 Genomes Project 30x 0.00016; 1000 Genomes Project 0.00020.
gnomAD v4.1: 86 of 1,614,194 alleles (0.0053%); highest among the groups gnomAD compares: Non-Finnish European, 0.0072%; no homozygotes.

Submissions (10):

Women's Health and Genetics/Laboratory Corporation of America, LabCorp
Classification: Pathogenic for Achromatopsia 2. Last evaluated: 2025-10-21. Review status: criteria provided, single submitter. Criteria: LabCorp Variant Classification Summary - May 2015. Collection method: clinical testing. Allele origin: germline.
Comment: Variant summary: CNGA3 c.1557G>A (p.Met519Ile) results in a conservative amino acid change in the encoded protein sequence. Algorithms developed to predict the effect of missense changes on protein structure and function are either unavailable or do not agree on the potential impact of this missense change. The variant allele was found at a frequency of 5.2e-05 in 250936 control chromosomes. This frequency is not significantly higher than estimated for disease-causing variants in CNGA3, allowing no conclusion about variant significance. c.1557G>A has been observed in the presumed compound heterozygous and homozygous states in individual(s) affected with Achromatopsia 2 and or cone rod dystrophy (example, Georgiou_2019, Ellingford_2016, Lin_2024, Labcorp Genetics (formerly Invitae)). These data indicate that the variant is likely to be associated with disease. At least one publication reports experimental evidence evaluating an impact on protein function. The most pronounced variant effect results in <10% of normal activity in vitro (Solaki_2023). The following publications have been ascertained in the context of this evaluation (PMID: 30682209, 27208204, 32913385, 28224992, 37689994, 38587442, 31964843, 38219857, 35332618). ClinVar contains an entry for this variant (Variation ID: 236463). Based on the evidence outlined above, the variant was classified as pathogenic.

PreventionGenetics, part of Exact Sciences
Classification: Pathogenic for CNGA3-related condition. Last evaluated: 2024-12-10. Review status: criteria provided, single submitter. Criteria: ACMG Guidelines, 2015. Collection method: clinical testing. Allele origin: germline.
Comment: The CNGA3 c.1557G>A variant is predicted to result in the amino acid substitution p.Met519Ile. This variant has been reported in the homozygous and compound heterozygous state in individuals with retinal disease (Table S5, Ellingford et al. 2016. PubMed ID: 27208204; Georgiou et al. 2019. PubMed ID: 30682209; Table S1, Lin et al. 2024. PubMed ID: 38219857). This variant is present in 0.012% of alleles in individuals of European (Non-Finnish) descent in gnomAD. This variant is interpreted as pathogenic.

Labcorp Genetics (formerly Invitae), Labcorp
Classification: Pathogenic. Last evaluated: 2024-11-03. Review status: criteria provided, single submitter. Criteria: Invitae Variant Classification Sherloc (09022015). Collection method: clinical testing. Allele origin: germline.
Comment: This sequence change replaces methionine, which is neutral and non-polar, with isoleucine, which is neutral and non-polar, at codon 519 of the CNGA3 protein (p.Met519Ile). This variant is present in population databases (rs199655686, gnomAD 0.01%). This missense change has been observed in individual(s) with achromatopsia and/or CNGA3-related conditions (PMID: 27208204, 30682209; internal data). In at least one individual the data is consistent with being in trans (on the opposite chromosome) from a pathogenic variant. ClinVar contains an entry for this variant (Variation ID: 236463). Invitae Evidence Modeling of protein sequence and biophysical properties (such as structural, functional, and spatial information, amino acid conservation, physicochemical variation, residue mobility, and thermodynamic stability) indicates that this missense variant is expected to disrupt CNGA3 protein function with a positive predictive value of 95%. This variant disrupts the p.Met519 amino acid residue in CNGA3. Other variant(s) that disrupt this residue have been observed in individuals with CNGA3-related conditions (PMID: 26992781, 27208204, 30682209), which suggests that this may be a clinically significant amino acid residue. For these reasons, this variant has been classified as Pathogenic.

Blueprint Genetics
Classification: Pathogenic for CNGA3-related disorders. Last evaluated: 2024-09-11. Review status: criteria provided, single submitter. Criteria: ACMG Guidelines, 2015. Collection method: clinical testing. Allele origin: germline. Affected: yes. Observed: 5 variant alleles.

Eurofins Ntd Llc (ga)
Classification: Uncertain significance. Last evaluated: 2016-07-12. Review status: criteria provided, single submitter. Criteria: EGL Classification Definitions 2015. Collection method: clinical testing. Allele origin: germline. Observed: 1 variant allele, 1 heterozygote.

Joint Genome Diagnostic Labs from Nijmegen and Maastricht, Radboudumc and MUMC+
Classification: Uncertain significance for Achromatopsia 2. Last evaluated: 2016-09-01. Review status: no assertion criteria provided. Collection method: clinical testing. Allele origin: unknown. Affected: yes. Observed: 2 variant alleles. Not counted in ClinVar's aggregate classification.

Centre for Genomic Medicine, Manchester, Central Manchester University Hospitals
Classification: Uncertain significance for Retinal dystrophy. Review status: no assertion criteria provided. Collection method: clinical testing. Allele origin: germline. Affected: yes. Not counted in ClinVar's aggregate classification.

Clinical Genetics DNA and cytogenetics Diagnostics Lab, Erasmus MC, Erasmus Medical Center
Classification: Likely pathogenic. Review status: no assertion criteria provided. Collection method: clinical testing. Allele origin: germline. Affected: yes. Study: VKGL Data-share Consensus. Not counted in ClinVar's aggregate classification.

Clinical Genetics, Academic Medical Center
Classification: Likely pathogenic. Review status: no assertion criteria provided. Collection method: clinical testing. Allele origin: germline. Affected: yes. Study: VKGL Data-share Consensus. Not counted in ClinVar's aggregate classification.

Joint Genome Diagnostic Labs from Nijmegen and Maastricht, Radboudumc and MUMC+
Classification: Likely pathogenic. Review status: no assertion criteria provided. Collection method: clinical testing. Allele origin: germline. Affected: yes. Study: VKGL Data-share Consensus. Not counted in ClinVar's aggregate classification.

Literature cited by the submitters: PubMed 28224992 (cited by Women's Health and Genetics/Laboratory Corporation of America, LabCorp); PubMed 27208204 (cited by Women's Health and Genetics/Laboratory Corporation of America, LabCorp and Labcorp Genetics (formerly Invitae), Labcorp); PubMed 31964843 (cited by Women's Health and Genetics/Laboratory Corporation of America, LabCorp); PubMed 32913385 (cited by Women's Health and Genetics/Laboratory Corporation of America, LabCorp); PubMed 35332618 (cited by Women's Health and Genetics/Laboratory Corporation of America, LabCorp); PubMed 37689994 (cited by Women's Health and Genetics/Laboratory Corporation of America, LabCorp); PubMed 38219857 (cited by Women's Health and Genetics/Laboratory Corporation of America, LabCorp); PubMed 30682209 (cited by Women's Health and Genetics/Laboratory Corporation of America, LabCorp and Labcorp Genetics (formerly Invitae), Labcorp); PubMed 38587442 (cited by Women's Health and Genetics/Laboratory Corporation of America, LabCorp); PubMed 26992781 (cited by Labcorp Genetics (formerly Invitae), Labcorp and Eurofins Ntd Llc (ga)); PubMed 24906859 (cited by Eurofins Ntd Llc (ga)).